The following is an entry in ClinVar:

NM_000179.3(MSH6):c.1260del (p.Phe421fs)

Gene: MSH6 (mutS homolog 6; plus strand). Cytogenetic location: 2p16.3.
Variant type: Deletion.
Coding change: c.1260del on transcript NM_000179.3 (MANE Select); coding-DNA position 1260, one base deleted (C; older notation c.1260delC).
Protein change: p.Phe421fs; shifts the reading frame from phenylalanine 421.
Molecular consequence: frameshift variant. On other transcripts: non-coding transcript variant (4), intron variant (1).
Genome position (GRCh38, 1-based): chr2:47,799,243, C deleted. VCF-style (leftmost placement, unchanged base first): chr2-47799242-AC-A. GRCh37 (hg19) VCF-style: chr2-48026381-AC-A.
Other names: c.870del, p.Phe291fs (NM_001281492.2); c.354del, p.Phe119fs (NM_001281493.2, NM_001281494.2, NM_001406811.1 and 6 more transcripts); c.1356del, p.Phe453fs (NM_001406795.1, NM_001406802.1); c.1260del, p.Phe421fs (NM_001406796.1, NM_001406798.1, NM_001406800.1 and 4 more transcripts); c.963del, p.Phe322fs (NM_001406797.1, NM_001406801.1, NM_001406805.1 and 10 more transcripts); c.735del, p.Phe246fs (NM_001406799.1, NM_001406806.1, NM_001406807.1); c.1182del, p.Phe395fs (NM_001406804.1); c.1266del, p.Phe423fs (NM_001406813.1); and 2 more; short protein forms F119fs, F246fs, F291fs, F322fs, F365fs, F395fs, F421fs, F423fs.
Identifiers: ClinVar variation 3230495 (VCV003230495.1), dbSNP rs2530599778, ClinGen allele CA2825001114.

ClinVar aggregate classification (germline): Pathogenic (1 of 4 stars; one submission).

Conditions:
Hereditary cancer-predisposing syndrome. Also called: Neoplastic Syndromes, Hereditary; Tumor predisposition; Hereditary neoplastic syndrome; Hereditary Cancer Syndrome. Identifiers: Orphanet 140162, MedGen C0027672, MeSH D009386, MONDO:0015356.

Submission:

Ambry Genetics
Classification: Pathogenic for Hereditary cancer-predisposing syndrome. Last evaluated: 2024-01-02. Review status: criteria provided, single submitter. Criteria: Ambry Variant Classification Scheme 2023. Collection method: clinical testing. Allele origin: germline.
Comment: The c.1260delC pathogenic mutation, located in coding exon 4 of the MSH6 gene, results from a deletion of one nucleotide at nucleotide position 1260, causing a translational frameshift with a predicted alternate stop codon (p.F421Lfs*32). This variant is considered to be rare based on population cohorts in the Genome Aggregation Database (gnomAD). This alteration is expected to result in loss of function by premature protein truncation or nonsense-mediated mRNA decay. As such, this alteration is interpreted as a disease-causing mutation.